The following is an entry in ClinVar:

ClinVar aggregate classification (germline): Uncertain significance (1 of 4 stars; one submission).

gnomAD v4.1: 47 of 1,613,292 alleles (0.0029%); highest among the groups gnomAD compares: African/African-American, 0.0053%; no homozygotes.

Submission:

Labcorp Genetics (formerly Invitae), Labcorp
Classification: Uncertain significance. Last evaluated: 2025-12-11. Review status: criteria provided, single submitter. Criteria: Invitae Variant Classification Sherloc (09022015). Collection method: clinical testing. Allele origin: germline.
Comment: This sequence change replaces arginine, which is basic and polar, with cysteine, which is neutral and slightly polar, at codon 528 of the ADAMTS17 protein (p.Arg528Cys). This variant is present in population databases (rs752643838, gnomAD 0.008%). This variant has not been reported in the literature in individuals affected with ADAMTS17-related conditions. An algorithm developed to predict the effect of missense changes on protein structure and function (PolyPhen-2) suggests that this variant is likely to be disruptive. In summary, the available evidence is currently insufficient to determine the role of this variant in disease. Therefore, it has been classified as a Variant of Uncertain Significance.

NM_139057.4(ADAMTS17):c.1582C>T (p.Arg528Cys)

Gene: ADAMTS17 (ADAM metallopeptidase with thrombospondin type 1 motif 17; minus strand). Cytogenetic location: 15q26.3.
Variant type: single nucleotide variant.
Coding change: c.1582C>T on transcript NM_139057.4 (MANE Select); coding-DNA position 1582, C replaced by T.
Protein change: p.Arg528Cys; replaces arginine 528 with cysteine.
Molecular consequence: missense variant.
Genome position (GRCh38, 1-based): chr15:100,132,146, G>A on the plus strand (C>T on the coding strand, the complement: ADAMTS17 is on the minus strand). VCF-style: chr15-100132146-G-A. GRCh37 (hg19) VCF-style: chr15-100672351-G-A.
Other names: short protein forms R528C.
Identifiers: ClinVar variation 4707677 (VCV004707677.1).